The following is an entry in ClinVar:

ClinVar aggregate classification (germline): Uncertain significance. Review status: criteria provided, multiple submitters, no conflicts (2 of 4 stars). 2 submissions from 2 submitters: Uncertain significance (2). Last evaluated 2025-08-20.

Conditions:
Epilepsy, familial focal, with variable foci 3 (FFEVF3). Identifiers: MedGen C4310708, MONDO:0014925, OMIM 617118.

Allele frequency attached by ClinVar (database versions not stated): TOPMed below 0.00001; gnomAD exomes 0.00001; gnomAD 0.00002.
gnomAD v4.1: 21 of 1,613,456 alleles (0.0013%); highest among the groups gnomAD compares: African/African-American, 0.0027%; 1 homozygote.

Submissions (2):

Labcorp Genetics (formerly Invitae), Labcorp
Classification: Uncertain significance for Epilepsy, familial focal, with variable foci 3. Last evaluated: 2025-08-20. Review status: criteria provided, single submitter. Criteria: Invitae Variant Classification Sherloc (09022015). Collection method: clinical testing. Allele origin: germline.
Comment: This sequence change replaces threonine, which is neutral and polar, with methionine, which is neutral and non-polar, at codon 483 of the NPRL3 protein (p.Thr483Met). This variant is present in population databases (no rsID available, gnomAD 0.004%). This variant has not been reported in the literature in individuals affected with NPRL3-related conditions. ClinVar contains an entry for this variant (Variation ID: 580875). Invitae Evidence Modeling of protein sequence and biophysical properties (such as structural, functional, and spatial information, amino acid conservation, physicochemical variation, residue mobility, and thermodynamic stability) indicates that this missense variant is not expected to disrupt NPRL3 protein function with a negative predictive value of 80%. In summary, the available evidence is currently insufficient to determine the role of this variant in disease. Therefore, it has been classified as a Variant of Uncertain Significance.

Revvity Omics, Revvity
Classification: Uncertain significance for Epilepsy, familial focal, with variable foci 3. Last evaluated: 2023-11-07. Review status: criteria provided, single submitter. Criteria: ACMG Guidelines, 2015. Collection method: clinical testing. Allele origin: germline.

NM_001077350.3(NPRL3):c.1448C>T (p.Thr483Met)

Genes: HBA-LCR (alpha-globin locus control region; plus strand), NPRL3 (NPR3 like, GATOR1 complex subunit; minus strand). Cytogenetic location: 16p13.3.
Variant type: single nucleotide variant.
Coding change: c.1448C>T on transcript NM_001077350.3 (MANE Select); coding-DNA position 1448, C replaced by T.
Protein change: p.Thr483Met; replaces threonine 483 with methionine.
Molecular consequence: missense variant.
Genome position (GRCh38, 1-based): chr16:88,794, G>A on the plus strand (C>T on the coding strand, the complement: NPRL3 is on the minus strand). VCF-style: chr16-88794-G-A. GRCh37 (hg19) VCF-style: chr16-138792-G-A.
Other names: c.911C>T, p.Thr304Met (NM_001039476.3); c.1214C>T, p.Thr405Met (NM_001243247.2); c.1373C>T, p.Thr458Met (NM_001243248.2, NM_001243249.2); short protein forms T458M, T483M, T405M, T304M.
Identifiers: ClinVar variation 580875 (VCV000580875.9), dbSNP rs1055200832, ClinGen allele CA276457575.